The following is an entry in ClinVar:

ClinVar aggregate classification (germline): Pathogenic (1 of 4 stars; one submission).

Conditions:
Neurofibromatosis, type 1 (NF1). Also called: VON RECKLINGHAUSEN DISEASE; NEUROFIBROMATOSIS, TYPE I, SOMATIC; Neurofibromatosis, type I; Peripheral type neurofibromatosis. Identifiers: Orphanet 636, MedGen C0027831, MONDO:0018975, OMIM 162200. Disease mechanism: loss of function.

Submission:

Labcorp Genetics (formerly Invitae), Labcorp
Classification: Pathogenic for Neurofibromatosis, type 1. Last evaluated: 2021-10-23. Review status: criteria provided, single submitter. Criteria: Invitae Variant Classification Sherloc (09022015). Collection method: clinical testing. Allele origin: germline.
Comment: For these reasons, this variant has been classified as Pathogenic. Algorithms developed to predict the effect of sequence changes on RNA splicing suggest that this variant may create or strengthen a splice site. This variant has not been reported in the literature in individuals affected with NF1-related conditions. This sequence change creates a premature translational stop signal (p.Met1928Argfs*8) in the NF1 gene. It is expected to result in an absent or disrupted protein product. Loss-of-function variants in NF1 are known to be pathogenic (PMID: 10712197, 23913538). This variant is not present in population databases (gnomAD no frequency).

Literature cited by the submitters: PubMed 10712197; PubMed 23913538.

NM_001042492.3(NF1):c.5846del (p.Met1949fs)

Gene: NF1 (neurofibromin 1; plus strand). Cytogenetic location: 17q11.2.
Variant type: Deletion.
Coding change: c.5846del on transcript NM_001042492.3 (MANE Select); coding-DNA position 5846, one base deleted (T; older notation c.5846delT).
Protein change: p.Met1949fs; shifts the reading frame from methionine 1949.
Molecular consequence: frameshift variant.
Genome position (GRCh38, 1-based): chr17:31,334,871, T deleted. VCF-style (leftmost placement, unchanged base first): chr17-31334870-AT-A. GRCh37 (hg19) VCF-style: chr17-29661888-AT-A.
Other names: c.5783delT, p.Met1928Argfs (NM_000267.4); short protein forms M1928fs, M1949fs.
Identifiers: ClinVar variation 1420646 (VCV001420646.6), dbSNP rs2151550327, ClinGen allele CA2573153443.